The following is an entry in ClinVar:

ClinVar aggregate classification (germline): Uncertain significance (1 of 4 stars; one submission).

Conditions:
Neurofibromatosis, type 1 (NF1). Also called: VON RECKLINGHAUSEN DISEASE; Neurofibromatosis, type I; NEUROFIBROMATOSIS, TYPE I, SOMATIC; Peripheral type neurofibromatosis. Identifiers: Orphanet 636, MedGen C0027831, MONDO:0018975, OMIM 162200. Disease mechanism: loss of function.

Submission:

Labcorp Genetics (formerly Invitae), Labcorp
Classification: Uncertain significance for Neurofibromatosis, type 1. Last evaluated: 2025-10-29. Review status: criteria provided, single submitter. Criteria: Invitae Variant Classification Sherloc (09022015). Collection method: clinical testing. Allele origin: germline.
Comment: This sequence change replaces proline, which is neutral and non-polar, with arginine, which is basic and polar, at codon 1232 of the NF1 protein (p.Pro1232Arg). This variant is not present in population databases (gnomAD no frequency). This variant has not been reported in the literature in individuals affected with NF1-related conditions. Invitae Evidence Modeling of protein sequence and biophysical properties (such as structural, functional, and spatial information, amino acid conservation, physicochemical variation, residue mobility, and thermodynamic stability) indicates that this missense variant is expected to disrupt NF1 protein function with a positive predictive value of 95%. In summary, the available evidence is currently insufficient to determine the role of this variant in disease. Therefore, it has been classified as a Variant of Uncertain Significance.

NM_001042492.3(NF1):c.3695C>G (p.Pro1232Arg)

Gene: NF1 (neurofibromin 1; plus strand). Cytogenetic location: 17q11.2.
Variant type: single nucleotide variant.
Coding change: c.3695C>G on transcript NM_001042492.3 (MANE Select); coding-DNA position 3695, C replaced by G.
Protein change: p.Pro1232Arg; replaces proline 1232 with arginine.
Molecular consequence: missense variant.
Genome position (GRCh38, 1-based): chr17:31,233,200, C>G. VCF-style: chr17-31233200-C-G. GRCh37 (hg19) VCF-style: chr17-29560218-C-G.
Other names: c.3695C>G, p.Pro1232Arg (NM_000267.4); short protein forms P1232R.
Identifiers: ClinVar variation 4800758 (VCV004800758.1).